The following is an entry in ClinVar:

ClinVar aggregate classification (germline): Likely pathogenic (1 of 4 stars; one submission).

Conditions:
Autosomal recessive limb-girdle muscular dystrophy type 2J (LGMDR10). Also called: Limb-girdle muscular dystrophy, type 2J; MUSCULAR DYSTROPHY, LIMB-GIRDLE, AUTOSOMAL RECESSIVE 10. Identifiers: Orphanet 140922, MedGen C1837342, MONDO:0012127, OMIM 608807.
Dilated cardiomyopathy 1G (CMD1G). Identifiers: Orphanet 154, MedGen C1858763, MONDO:0011400, OMIM 604145.

Submission:

Labcorp Genetics (formerly Invitae), Labcorp
Classification: Likely pathogenic for Dilated cardiomyopathy 1G; Autosomal recessive limb-girdle muscular dystrophy type 2J. Last evaluated: 2026-02-01. Review status: criteria provided, single submitter. Criteria: Invitae Variant Classification Sherloc (09022015). Collection method: clinical testing. Allele origin: germline.
Comment: This sequence change creates a premature translational stop signal (p.Leu22175Ilefs*8) in the TTN gene. While this is not anticipated to result in nonsense mediated decay, it is expected to create a truncated TTN protein. This variant is not present in population databases (gnomAD no frequency). This variant has not been reported in the literature in individuals affected with TTN-related conditions. This variant is located in the A band of TTN (PMID: 25589632). Truncating variants in this region are significantly overrepresented in patients affected with dilated cardiomyopathy (PMID: 25589632). Truncating variants in this region have also been reported in individuals affected with autosomal recessive centronuclear myopathy (PMID: 23975875). In summary, the currently available evidence indicates that the variant is pathogenic, but additional data are needed to prove that conclusively. Therefore, this variant has been classified as Likely Pathogenic.

Literature cited by the submitters: PubMed 25589632; PubMed 23975875.

NM_001267550.2(TTN):c.66523_66524del (p.Leu22175fs)

Genes: TTN-AS1 (TTN antisense RNA 1; plus strand), TTN (titin; minus strand). Cytogenetic location: 2q31.2.
Variant type: Deletion.
Coding change: c.66523_66524del on transcript NM_001267550.2 (MANE Select); coding-DNA positions 66523 to 66524, 2 bases deleted (CT; older notation c.66523_66524delCT).
Protein change: p.Leu22175fs; shifts the reading frame from leucine 22175.
Molecular consequence: frameshift variant.
Genome position (GRCh38, 1-based): chr2:178,581,744-178,581,745, AG deleted on the plus strand (CT on the coding strand, the reverse complement: TTN is on the minus strand); deleting any 2 consecutive bases within chr2:178,581,744-178,581,746 gives the same sequence; the c. name uses the placement nearest the transcript's 3' end. VCF-style (leftmost placement, unchanged base first): chr2-178581743-TAG-T. GRCh37 (hg19) VCF-style: chr2-179446470-TAG-T.
Other names: c.61600_61601del, p.Leu20534fs (NM_001256850.1); c.39328_39329del, p.Leu13110fs (NM_003319.4); c.58819_58820del, p.Leu19607fs (NM_133378.4); c.39703_39704del, p.Leu13235fs (NM_133432.3); c.39904_39905del, p.Leu13302fs (NM_133437.4); short protein forms L13302fs, L22175fs, L19607fs, L20534fs, L13110fs, L13235fs.
Identifiers: ClinVar variation 4787383 (VCV004787383.1).